The following is an entry in ClinVar:

NM_005655.4(KLF10):c.661G>T (p.Asp221Tyr)

Gene: KLF10 (KLF transcription factor 10; minus strand). Cytogenetic location: 8q22.3.
Variant type: single nucleotide variant.
Coding change: c.661G>T on transcript NM_005655.4 (MANE Select); coding-DNA position 661, G replaced by T.
Protein change: p.Asp221Tyr; replaces aspartic acid 221 with tyrosine.
Molecular consequence: missense variant.
Genome position (GRCh38, 1-based): chr8:102,651,671, C>A on the plus strand (G>T on the coding strand, the complement: KLF10 is on the minus strand). VCF-style: chr8-102651671-C-A. GRCh37 (hg19) VCF-style: chr8-103663899-C-A.
Other names: c.628G>T, p.Asp210Tyr (NM_001032282.4); short protein forms D221Y, D210Y.
Identifiers: ClinVar variation 2321613 (VCV002321613.6), dbSNP rs200049120, ClinGen allele CA4833558.
Genomic context (GRCh38, chr8:102,651,671, plus strand): 5'-AGATGACCGTCTCTGAGGAAGGCACAGAAAAGTCATAAAGTGCAGCACTTGCTTTCTCAT[C>A]AACATCTGCCACTGTGTTTCTCTCACATTTGGATCTGTTTGGTGACACAGCGGCACATGG-3'
Protein context (NP_005646.1, residues 211-231): KCERNTVADV[Asp221Tyr]EKASAALYDF

ClinVar aggregate classification (germline): Uncertain significance. Review status: criteria provided, multiple submitters, no conflicts (2 of 4 stars). 2 submissions from 2 submitters: Uncertain significance (2). Last evaluated 2024-12-05.

Allele frequency attached by ClinVar (database versions not stated): ExAC 0.00002; TOPMed 0.00003; gnomAD 0.00005; gnomAD exomes 0.00005.
gnomAD v4.1: 82 of 1,614,130 alleles (0.0051%); highest among the groups gnomAD compares: Non-Finnish European, 0.0066%; no homozygotes.

Submissions (2):

Ambry Genetics
Classification: Uncertain significance. Last evaluated: 2024-12-05. Review status: criteria provided, single submitter. Criteria: Ambry Variant Classification Scheme 2023. Collection method: clinical testing. Allele origin: germline.

Labcorp Genetics (formerly Invitae), Labcorp
Classification: Uncertain significance. Last evaluated: 2023-12-31. Review status: criteria provided, single submitter. Criteria: Invitae Variant Classification Sherloc (09022015). Collection method: clinical testing. Allele origin: germline.
Comment: This sequence change replaces aspartic acid, which is acidic and polar, with tyrosine, which is neutral and polar, at codon 221 of the KLF10 protein (p.Asp221Tyr). This variant is present in population databases (rs200049120, gnomAD 0.009%). This variant has not been reported in the literature in individuals affected with KLF10-related conditions. ClinVar contains an entry for this variant (Variation ID: 2321613). An algorithm developed to predict the effect of missense changes on protein structure and function (PolyPhen-2) suggests that this variant is likely to be tolerated. In summary, the available evidence is currently insufficient to determine the role of this variant in disease. Therefore, it has been classified as a Variant of Uncertain Significance.